The following is an entry in ClinVar:

NM_001933.5(DLST):c.151A>G (p.Asn51Asp)

Gene: DLST (dihydrolipoamide S-succinyltransferase; plus strand). Cytogenetic location: 14q24.3.
Variant type: single nucleotide variant.
Coding change: c.151A>G on transcript NM_001933.5 (MANE Select); coding-DNA position 151, A replaced by G.
Protein change: p.Asn51Asp; replaces asparagine 51 with aspartic acid.
Molecular consequence: missense variant. On other transcripts: non-coding transcript variant (2).
Genome position (GRCh38, 1-based): chr14:74,889,099, A>G. VCF-style: chr14-74889099-A-G. GRCh37 (hg19) VCF-style: chr14-75355802-A-G.
Other names: c.151A>G, p.Asn51Asp (NM_001244883.2); c.151A>G (NM_001933.4); short protein forms N51D.
Identifiers: ClinVar variation 3611084 (VCV003611084.3).

ClinVar aggregate classification (germline): Uncertain significance. Review status: criteria provided, multiple submitters, no conflicts (2 of 4 stars). 2 submissions from 2 submitters: Uncertain significance (2). Last evaluated 2025-07-01.

gnomAD v4.1: 1 of 1,614,188 alleles (0.000062%); highest among the groups gnomAD compares: South Asian, 0.0011%; no homozygotes.

Submissions (2):

Ambry Genetics
Classification: Uncertain significance. Last evaluated: 2025-07-01. Review status: criteria provided, single submitter. Criteria: Ambry Variant Classification Scheme 2023. Collection method: clinical testing. Allele origin: germline.

Labcorp Genetics (formerly Invitae), Labcorp
Classification: Uncertain significance. Last evaluated: 2024-05-27. Review status: criteria provided, single submitter. Criteria: Invitae Variant Classification Sherloc (09022015). Collection method: clinical testing. Allele origin: germline.
Comment: This sequence change replaces asparagine, which is neutral and polar, with aspartic acid, which is acidic and polar, at codon 51 of the DLST protein (p.Asn51Asp). This variant is not present in population databases (gnomAD no frequency). This variant has not been reported in the literature in individuals affected with DLST-related conditions. In summary, the available evidence is currently insufficient to determine the role of this variant in disease. Therefore, it has been classified as a Variant of Uncertain Significance.